The following is an entry in ClinVar:

NM_001220.5(CAMK2B):c.441G>C (p.Lys147Asn)

Gene: CAMK2B (calcium/calmodulin dependent protein kinase II beta; minus strand). Cytogenetic location: 7p13.
Variant type: single nucleotide variant.
Coding change: c.441G>C on transcript NM_001220.5 (MANE Select); coding-DNA position 441, G replaced by C.
Protein change: p.Lys147Asn; replaces lysine 147 with asparagine.
Molecular consequence: missense variant.
Genome position (GRCh38, 1-based): chr7:44,243,501, C>G on the plus strand (G>C on the coding strand, the complement: CAMK2B is on the minus strand). VCF-style: chr7-44243501-C-G. GRCh37 (hg19) VCF-style: chr7-44283100-C-G.
Other names: c.441G>C, p.Lys147Asn (NM_001293170.2, NM_172078.3, NM_172079.3 and 5 more transcripts); short protein forms K147N.
Identifiers: ClinVar variation 2023959 (VCV002023959.4), dbSNP rs2486097207, ClinGen allele CA367366259.

ClinVar aggregate classification (germline): Likely pathogenic (1 of 4 stars; one submission).

Submission:

Labcorp Genetics (formerly Invitae), Labcorp
Classification: Likely pathogenic. Last evaluated: 2022-09-13. Review status: criteria provided, single submitter. Criteria: Invitae Variant Classification Sherloc (09022015). Collection method: clinical testing. Allele origin: germline.
Comment: This sequence change replaces lysine, which is basic and polar, with asparagine, which is neutral and polar, at codon 147 of the CAMK2B protein (p.Lys147Asn). This variant is not present in population databases (gnomAD no frequency). This missense change has been observed in individual(s) with epilepsy with intellectual disability and developmental delay (Invitae). In at least one individual the variant was observed to be de novo. Algorithms developed to predict the effect of missense changes on protein structure and function (SIFT, PolyPhen-2, Align-GVGD) all suggest that this variant is likely to be disruptive. In summary, the currently available evidence indicates that the variant is pathogenic, but additional data are needed to prove that conclusively. Therefore, this variant has been classified as Likely Pathogenic.